The following is an entry in ClinVar:

NM_000132.4(F8):c.601+1632G>A

Gene: F8 (coagulation factor VIII; minus strand). Cytogenetic location: Xq28.
Variant type: single nucleotide variant.
Coding change: c.601+1632G>A on transcript NM_000132.4 (MANE Select); 1632 bases into the intron after coding-DNA position 601, G replaced by A.
Molecular consequence: intron variant.
Genome position (GRCh38, 1-based): chrX:154,991,304, C>T on the plus strand (G>A on the coding strand, the complement: F8 is on the minus strand). VCF-style: chrX-154991304-C-T. GRCh37 (hg19) VCF-style: chrX-154219579-C-T.
Other names: F8, NEW SPLICE DONOR, IVS4.
Identifiers: ClinVar variation 10097 (VCV000010097.3), dbSNP rs387906429, ClinGen allele CA255015.
Genomic context (GRCh38, chrX:154,991,304, plus strand): 5'-CACTCCTTGAAACCCCAGAGGGTTTGTCCTGGAGCTCTCTTTGCAACATAGTACTCACTT[C>T]GAAGTCTCCAGTTATGTTTTAATTCAGGTTAAGGAATACTAGAGTGGGGAAAAAGGTATA-3'

ClinVar aggregate classification (germline): Uncertain significance. Review status: criteria provided, single submitter (1 of 4 stars). 2 submissions from 2 submitters: Uncertain significance (1). 1 of the submissions does not count toward it. Last evaluated 2023-04-04.

Conditions:
F8-related disorder. Also called: F8-related condition.
Hereditary factor VIII deficiency disease (HEMA). Also called: HEMOPHILIA, CLASSIC; Hemophilia A; Hemophilia A, congenital; HEM A; Factor 8 deficiency, congenital; AUTOSOMAL HEMOPHILIA A. Identifiers: Orphanet 98878, MedGen C0019069, MONDO:0010602, OMIM 306700.

Allele frequency attached by ClinVar (database versions not stated): TOPMed 0.00001; gnomAD 0.00002.

Submissions (2):

PreventionGenetics, part of Exact Sciences
Classification: Uncertain significance for F8-related condition. Last evaluated: 2023-04-04. Review status: criteria provided, single submitter. Criteria: ACMG Guidelines, 2015. Collection method: clinical testing. Allele origin: germline.
Comment: The F8 c.601+1632G>A variant is predicted to interfere with splicing. Functional study and Alamut evaluation showed that this variant leads to a defect in RNA processing and reduces F8 protein levels (Youssoufian et al. 1988. PubMed ID: 2838411; Zimmermann et al. 2012. PubMed ID: 23088352). This variant is reported in 1 (hemizygous) of 13922 alleles in gnomAD. Although we suspect that this variant may be pathogenic, at this time, the clinical significance of this variant is uncertain due to the absence of conclusive functional and genetic evidence.

OMIM
Classification: Pathogenic for HEMOPHILIA A. Last evaluated: 1988-05-01. Review status: no assertion criteria provided. Collection method: literature only. Allele origin: germline. Not counted in ClinVar's aggregate classification.

Literature cited by the submitters: PubMed 2833855 (cited by OMIM).